The following is an entry in ClinVar:

NM_014585.6(SLC40A1):c.*833T>C

Gene: SLC40A1 (solute carrier family 40 member 1; minus strand). Cytogenetic location: 2q32.2.
Variant type: single nucleotide variant.
Coding change: c.*833T>C on transcript NM_014585.6 (MANE Select); 833 bases downstream of the stop codon, T replaced by C.
Molecular consequence: 3 prime UTR variant.
Genome position (GRCh38, 1-based): chr2:189,561,045, A>G on the plus strand (T>C on the coding strand, the complement: SLC40A1 is on the minus strand). VCF-style: chr2-189561045-A-G. GRCh37 (hg19) VCF-style: chr2-190425771-A-G.
Identifiers: ClinVar variation 896704 (VCV000896704.4), dbSNP rs917191527, ClinGen allele CA62902688.

ClinVar aggregate classification (germline): Benign (1 of 4 stars; one submission).

Conditions:
Hemochromatosis type 4 (HFE4). Also called: Ferroportin disease; HEMOCHROMATOSIS DUE TO DEFECT IN FERROPORTIN; HEMOCHROMATOSIS, AUTOSOMAL DOMINANT. Identifiers: Orphanet 139491, Orphanet 647834, Orphanet 648562, MedGen C1853733, MONDO:0011631, OMIM 606069.

Allele frequency attached by ClinVar (database versions not stated): 1000 Genomes Project 30x 0.00016; TOPMed 0.00040; gnomAD 0.00041 and 0.00042.

Submission:

Illumina Laboratory Services, Illumina
Classification: Benign for Hemochromatosis type 4. Last evaluated: 2017-06-16. Review status: criteria provided, single submitter. Criteria: ICSL Variant Classification Criteria 13 December 2019. Collection method: clinical testing. Allele origin: germline.
Comment: This variant was observed as part of a predisposition screen in an ostensibly healthy population. A literature search was performed for the gene, cDNA change, and amino acid change (where applicable). No publications were found based on this search. Allele frequency data from public databases was too high to be consistent with this variant causing disease. Therefore, this variant is classified as benign.